The following is an entry in ClinVar:

ClinVar aggregate classification (germline): Likely benign (1 of 4 stars; one submission).

gnomAD v4.1: 23 of 1,549,644 alleles (0.0015%); highest among the groups gnomAD compares: East Asian, 0.012%; no homozygotes.

Submission:

CeGaT Center for Human Genetics Tuebingen
Classification: Likely benign. Last evaluated: 2025-05-01. Review status: criteria provided, single submitter. Criteria: CeGaT Center For Human Genetics Tuebingen Variant Classification Criteria Version 2. Collection method: clinical testing. Allele origin: germline. Affected: yes. Observed: 1 variant allele.
Comment: SETD1B: BP4, BP7

NM_001353345.2(SETD1B):c.1233G>A (p.Pro411=)

Gene: SETD1B (SET domain containing 1B, histone lysine methyltransferase; plus strand). Cytogenetic location: 12q24.31.
Variant type: single nucleotide variant.
Coding change: c.1233G>A on transcript NM_001353345.2 (MANE Select); coding-DNA position 1233, G replaced by A.
Protein change: p.Pro411=; no amino-acid change (proline 411 retained).
Molecular consequence: synonymous variant.
Genome position (GRCh38, 1-based): chr12:121,810,178, G>A. VCF-style: chr12-121810178-G-A. GRCh37 (hg19) VCF-style: chr12-122248084-G-A.
Identifiers: ClinVar variation 3905397 (VCV003905397.10).